The following is an entry in ClinVar:

ClinVar aggregate classification (germline): Pathogenic. Review status: criteria provided, multiple submitters, no conflicts (2 of 4 stars). 9 submissions from 9 submitters: Pathogenic (9). Last evaluated 2026-01-27.

Conditions:
MYBPC3-related disorder. Also called: MYBPC3-related disorders; MYBPC3-related condition; MYBPC3-related disease.
Cardiovascular phenotype. Identifiers: MedGen CN230736.
Cardiomyopathy (CMYO). Also called: Cardiomyopathies. Identifiers: Orphanet 167848, MedGen C0878544, MONDO:0004994, HP:0001638. Inheritance: Various modes of inheritance.
Primary familial hypertrophic cardiomyopathy (HCM). Identifiers: Orphanet 99739, MedGen C0949658, MeSH D024741, MONDO:0024573. Inheritance: Various modes of inheritance.
Hypertrophic cardiomyopathy. Also called: HYPERTROPHIC MYOCARDIOPATHY. Identifiers: Orphanet 217569, MedGen C0007194, MeSH D002312, MONDO:0005045, HP:0001639.

Submissions (9):

Labcorp Genetics (formerly Invitae), Labcorp
Classification: Pathogenic for Hypertrophic cardiomyopathy. Last evaluated: 2026-01-27. Review status: criteria provided, single submitter. Criteria: Invitae Variant Classification Sherloc (09022015). Collection method: clinical testing. Allele origin: germline.
Comment: This sequence change creates a premature translational stop signal (p.Phe412*) in the MYBPC3 gene. It is expected to result in an absent or disrupted protein product. Loss-of-function variants in MYBPC3 are known to be pathogenic (PMID: 19574547). This variant is not present in population databases (gnomAD no frequency). This premature translational stop signal has been observed in individuals with hypertrophic cardiomyopathy (PMID: 12707239, 18957093, 24111713, 24510615). ClinVar contains an entry for this variant (Variation ID: 42514). For these reasons, this variant has been classified as Pathogenic.

Women's Health and Genetics/Laboratory Corporation of America, LabCorp
Classification: Pathogenic for Primary familial hypertrophic cardiomyopathy. Last evaluated: 2025-11-06. Review status: criteria provided, single submitter. Criteria: LabCorp Variant Classification Summary - May 2015. Collection method: clinical testing. Allele origin: germline.
Comment: Variant summary: MYBPC3 c.1235_1236delTT (p.Phe412X) results in a premature termination codon, predicted to cause a truncation of the encoded protein or absence of the protein due to nonsense mediated decay, which are commonly known mechanisms for disease. The variant was absent in 243642 control chromosomes. c.1235_1236delTT has been observed in multiple individuals affected with Hypertrophic Cardiomyopathy. These data indicate that the variant is very likely to be associated with disease. To our knowledge, no experimental evidence demonstrating an impact on protein function has been reported. The following publications have been ascertained in the context of this evaluation (PMID: 12707239, 15519027, 18957093, 16715312, 24111713). ClinVar contains an entry for this variant (Variation ID: 42514). Based on the evidence outlined above, the variant was classified as pathogenic.

GeneDx
Classification: Pathogenic. Last evaluated: 2025-07-16. Review status: criteria provided, single submitter. Criteria: GeneDx Variant Classification Process June 2021. Collection method: clinical testing. Allele origin: germline. Affected: yes.
Comment: Identified in multiple patients with HCM referred to GeneDx and in published literature (PMID: 12707239, 15519027, 18957093, 24111713, 24510615, 29121657); Nonsense variant predicted to result in protein truncation or nonsense mediated decay in a gene for which loss of function is a known mechanism of disease; Not observed at significant frequency in large population cohorts (gnomAD); Also known as del TT[10512-10513] and I411 fs/0; This variant is associated with the following publications: (PMID: 24111713, 12707239, 18957093, 15519027, 29121657, 37652022, 35653365, 24510615)

Mayo Clinic Laboratories, Mayo Clinic
Classification: Pathogenic. Last evaluated: 2023-12-19. Review status: criteria provided, single submitter. Criteria: ACMG Guidelines, 2015. Collection method: clinical testing. Allele origin: germline. Observed: 1 variant allele.
Comment: PM2, PS4_moderate, PVS1

Ambry Genetics
Classification: Pathogenic for Cardiovascular phenotype. Last evaluated: 2023-08-23. Review status: criteria provided, single submitter. Criteria: Ambry General Variant Classification Scheme_2022. Collection method: clinical testing. Allele origin: germline.
Comment: The c.1235_1236delTT pathogenic mutation, located in coding exon 15 of the MYBPC3 gene, results from a deletion of two nucleotides at nucleotide positions 1235 to 1236, causing a translational frameshift with a predicted alternate stop codon (p.F412*). This alteration, also referred to as del TT[10512-10513] or I411 fs/0, has been reported in individuals with hypertrophic cardiomyopathy (Richard P et al. Circulation, 2003 May;107:2227-32; Van Driest SL et al. J. Am. Coll. Cardiol., 2004 Nov;44:1903-10). This variant is considered to be rare based on population cohorts in the Genome Aggregation Database (gnomAD). In addition to the clinical data presented in the literature, this alteration is expected to result in loss of function by premature protein truncation or nonsense-mediated mRNA decay. As such, this alteration is interpreted as a disease-causing mutation.

Color Diagnostics, LLC DBA Color Health
Classification: Pathogenic for Cardiomyopathy. Last evaluated: 2020-10-13. Review status: criteria provided, single submitter. Criteria: ACMG Guidelines, 2015. Collection method: clinical testing. Allele origin: germline.
Comment: This variant deletes 2 nucleotides in exon 15 of the MYBPC3 gene, creating a frameshift and premature translation stop signal. This variant is expected to result in an absent or non-functional protein product. To our knowledge, functional studies have not been reported for this variant. This variant has been reported in several individuals and in a family affected with hypertrophic cardiomyopathy or referred for hypertrophic cardiomyopathy genetic testing (PMID: 12707239, 18957093, 24111713, 24510615). This variant has not been identified in the general population by the Genome Aggregation Database (gnomAD). Loss of MYBPC3 function is a known mechanism of disease. Based on the available evidence, this variant is classified as Pathogenic.

Laboratory for Molecular Medicine, Mass General Brigham Personalized Medicine
Classification: Pathogenic for Hypertrophic cardiomyopathy. Last evaluated: 2019-04-09. Review status: criteria provided, single submitter. Criteria: ACMG Guidelines, 2015. Collection method: clinical testing. Allele origin: germline. Inheritance: Autosomal dominant inheritance.
Comment: The p.Phe412X variant in MYBPC3 has been reported in >3 individuals with HCM (Richard 2003, Van Driest 2004, LMM data) and was absent from large population studies. It has also been reported in ClinVar (Variant ID: 42514). This variant is a deletion of 2 bases resulting in a premature termination codon at position 412, which is predicted to lead to a truncated or absent protein. Heterozygous loss of function of the MYBPC3 gene is an established disease mechanism in individuals with HCM. In summary, the p.Phe412X variant meets criteria to be classified as pathogenic for autosomal dominant HCM. ACMG/AMP criteria applied: PVS1, PM2, PS4_Supporting.

Blueprint Genetics
Classification: Pathogenic for MYBPC3-related disorders. Last evaluated: 2018-12-31. Review status: criteria provided, single submitter. Criteria: ACMG Guidelines, 2015. Collection method: clinical testing. Allele origin: germline. Affected: yes. Observed: 1 variant allele.

CeGaT Center for Human Genetics Tuebingen
Classification: Pathogenic. Last evaluated: 2016-12-01. Review status: criteria provided, single submitter. Criteria: CeGaT Center For Human Genetics Tuebingen Variant Classification Criteria Version 2. Collection method: clinical testing. Allele origin: germline. Affected: yes. Observed: 1 variant allele.

Literature cited by the submitters: PubMed 19574547 (cited by Labcorp Genetics (formerly Invitae), Labcorp); PubMed 12707239 (cited by 5 submitters); PubMed 18957093 (cited by 3 submitters); PubMed 24111713 (cited by Labcorp Genetics (formerly Invitae), Labcorp and Women's Health and Genetics/Laboratory Corporation of America, LabCorp); PubMed 24510615 (cited by Labcorp Genetics (formerly Invitae), Labcorp); PubMed 15519027 (cited by 4 submitters); PubMed 16715312 (cited by Women's Health and Genetics/Laboratory Corporation of America, LabCorp and Mayo Clinic Laboratories, Mayo Clinic); PubMed 29121657 (cited by Mayo Clinic Laboratories, Mayo Clinic); PubMed 35653365 (cited by Mayo Clinic Laboratories, Mayo Clinic); PubMed 37652022 (cited by Mayo Clinic Laboratories, Mayo Clinic).

NM_000256.3(MYBPC3):c.1235_1236delTT

Gene: MYBPC3 (myosin binding protein C3; minus strand). Cytogenetic location: 11p11.2.
Variant type: Deletion.
Coding change: c.1235_1236delTT on transcript NM_000256.3 (MANE Select); coding-DNA positions 1235 to 1236, 2 bases deleted (TT).
Genome position (GRCh38, 1-based): chr11:47,343,136-47,343,137, AA deleted on the plus strand (TT on the coding strand, the reverse complement: MYBPC3 is on the minus strand); deleting any 2 consecutive bases within chr11:47,343,136-47,343,138 gives the same sequence; the c. name uses the placement nearest the transcript's 3' end. VCF-style (leftmost placement, unchanged base first): chr11-47343135-CAA-C. GRCh37 (hg19) VCF-style: chr11-47364686-CAA-C.
Other names: p.F412X:TTT>TGA; p.Phe412*; c.1235_1236del, p.Ile411_Phe412insTer (LRG_386t1).
Identifiers: ClinVar variation 42514 (VCV000042514.66), dbSNP rs397515894, ClinGen allele CA009961.